The following is an entry in ClinVar:

ClinVar aggregate classification (germline): Likely benign. Review status: criteria provided, single submitter (1 of 4 stars). 2 submissions from 2 submitters: Likely benign (1). 1 of the submissions does not count toward it. Last evaluated 2024-11-20.

Conditions:
CACNA1B-related disorder. Also called: CACNA1B-related condition.

gnomAD v4.1: 20 of 1,613,656 alleles (0.0012%); highest among the groups gnomAD compares: Middle Eastern, 0.016%; no homozygotes.

Submissions (2):

Blueprint Genetics
Classification: Likely benign. Last evaluated: 2024-11-20. Review status: criteria provided, single submitter. Criteria: ACMG Guidelines, 2015. Collection method: clinical testing. Allele origin: germline.

PreventionGenetics, part of Exact Sciences
Classification: Likely benign for CACNA1B-related condition. Last evaluated: 2024-05-22. Review status: no assertion criteria provided. Collection method: clinical testing. Allele origin: germline. Not counted in ClinVar's aggregate classification.
Comment: This variant is classified as likely benign based on ACMG/AMP sequence variant interpretation guidelines (Richards et al. 2015 PMID: 25741868, with internal and published modifications).

NM_000718.4(CACNA1B):c.519C>T (p.Val173=)

Genes: CACNA1B (calcium voltage-gated channel subunit alpha1 B; plus strand), CACNA1B-AS2 (CACNA1B antisense RNA 2; minus strand). Cytogenetic location: 9q34.3.
Variant type: single nucleotide variant.
Coding change: c.519C>T on transcript NM_000718.4 (MANE Select); coding-DNA position 519, C replaced by T.
Protein change: p.Val173=; no amino-acid change (valine 173 retained).
Molecular consequence: synonymous variant. On other transcripts: non-coding transcript variant (1).
Genome position (GRCh38, 1-based): chr9:137,882,872, C>T. VCF-style: chr9-137882872-C-T. GRCh37 (hg19) VCF-style: chr9-140777324-C-T.
Other names: c.519C>T, p.Val173= (NM_001243812.2).
Identifiers: ClinVar variation 3358314 (VCV003358314.2).